The following is an entry in ClinVar:

ClinVar aggregate classification (germline): Uncertain significance (1 of 4 stars; one submission).

Submission:

Labcorp Genetics (formerly Invitae), Labcorp
Classification: Uncertain significance. Last evaluated: 2024-09-14. Review status: criteria provided, single submitter. Criteria: Invitae Variant Classification Sherloc (09022015). Collection method: clinical testing. Allele origin: germline.
Comment: This sequence change replaces histidine, which is basic and polar, with aspartic acid, which is acidic and polar, at codon 260 of the FBLN5 protein (p.His260Asp). This variant is not present in population databases (gnomAD no frequency). This variant has not been reported in the literature in individuals affected with FBLN5-related conditions. Invitae Evidence Modeling of protein sequence and biophysical properties (such as structural, functional, and spatial information, amino acid conservation, physicochemical variation, residue mobility, and thermodynamic stability) indicates that this missense variant is not expected to disrupt FBLN5 protein function with a negative predictive value of 80%. In summary, the available evidence is currently insufficient to determine the role of this variant in disease. Therefore, it has been classified as a Variant of Uncertain Significance.

NM_006329.4(FBLN5):c.778C>G (p.His260Asp)

Gene: FBLN5 (fibulin 5; minus strand). Cytogenetic location: 14q32.12.
Variant type: single nucleotide variant.
Coding change: c.778C>G on transcript NM_006329.4 (MANE Select); coding-DNA position 778, C replaced by G.
Protein change: p.His260Asp; replaces histidine 260 with aspartic acid.
Molecular consequence: missense variant.
Genome position (GRCh38, 1-based): chr14:91,883,038, G>C on the plus strand (C>G on the coding strand, the complement: FBLN5 is on the minus strand). VCF-style: chr14-91883038-G-C. GRCh37 (hg19) VCF-style: chr14-92349382-G-C.
Other names: c.901C>G, p.His301Asp (NM_001384158.1); c.829C>G, p.His277Asp (NM_001384159.1); c.778C>G, p.His260Asp (NM_001384160.1); c.610C>G, p.His204Asp (NM_001384161.1, NM_001384162.1); short protein forms H277D, H204D, H301D, H260D.
Identifiers: ClinVar variation 3640972 (VCV003640972.2).